The following is an entry in ClinVar:

NM_025215.6(PUS1):c.884G>A (p.Arg295Gln)

Gene: PUS1 (pseudouridine synthase 1; plus strand). Cytogenetic location: 12q24.33.
Variant type: single nucleotide variant.
Coding change: c.884G>A on transcript NM_025215.6 (MANE Select); coding-DNA position 884, G replaced by A.
Protein change: p.Arg295Gln; replaces arginine 295 with glutamine.
Molecular consequence: missense variant.
Genome position (GRCh38, 1-based): chr12:131,941,631, G>A. VCF-style: chr12-131941631-G-A. GRCh37 (hg19) VCF-style: chr12-132426176-G-A.
Other names: c.800G>A, p.Arg267Gln (NM_001002019.3, NM_001002020.3); short protein forms R267Q, R295Q.
Identifiers: ClinVar variation 1705355 (VCV001705355.2), dbSNP rs1045133170, ClinGen allele CA246187369.
Genomic context (GRCh38, chr12:131,941,631, plus strand): 5'-AGGGCCTGGAGTTTGCGGTGATCAGGGTGAAGGGCCAGAGCTTCATGATGCATCAGATCC[G>A]GAAGATGGTCGGCCTGGTGGTGGCCATTGTGAAGGGTTATGCCCCTGAGAGCGTGCTGGA-3'
Protein context (NP_079491.2, residues 285-305): KGQSFMMHQI[Arg295Gln]KMVGLVVAIV

ClinVar aggregate classification (germline): Conflicting classifications of pathogenicity. Review status: criteria provided, conflicting classifications (1 of 4 stars). 2 submissions from 2 submitters: Likely pathogenic (1); Uncertain significance (1). Last evaluated 2023-08-31.

Conditions:
Myopathy, lactic acidosis, and sideroblastic anemia 1 (MLASA1). Identifiers: Orphanet 2598, MedGen C4551958, MONDO:0024553, OMIM 600462.

Allele frequency attached by ClinVar (database versions not stated): gnomAD exomes below 0.00001; gnomAD 0.00001; TOPMed 0.00001.

Submissions (2):

Women's Health and Genetics/Laboratory Corporation of America, LabCorp
Classification: Uncertain significance. Last evaluated: 2023-08-31. Review status: criteria provided, single submitter. Criteria: LabCorp Variant Classification Summary - May 2015. Collection method: clinical testing. Allele origin: germline.
Comment: Variant summary: PUS1 c.884G>A (p.Arg295Gln) results in a conservative amino acid change located in the Pseudouridine synthase I, TruA, alpha/beta domain (IPR020097) of the encoded protein sequence. Four of five in-silico tools predict a damaging effect of the variant on protein function. The variant allele was found at a frequency of 8e-06 in 251456 control chromosomes (gnomAD). The available data on variant occurrences in the general population are insufficient to allow any conclusion about variant significance. c.884G>A has been reported in the literature in an individual affected with Myopathy, Lactic Acidosis, And Sideroblastic Anemia 1 (examples: Cao_2016, Yubero_2016). These data do not allow any conclusion about variant significance. To our knowledge, no experimental evidence demonstrating an impact on protein function has been reported. The following publications have been ascertained in the context of this evaluation (PMID: 26556812, 27374853). One submitter has cited clinical-significance assessments for this variant to ClinVar after 2014 and has classified the variant as likely pathogenic. Based on the evidence outlined above, the variant was classified as uncertain significance.

3billion
Classification: Likely pathogenic for Myopathy, lactic acidosis, and sideroblastic anemia 1. Last evaluated: 2022-09-01. Review status: criteria provided, single submitter. Criteria: ACMG Guidelines, 2015. Collection method: clinical testing. Allele origin: germline. Affected: yes. Observed: 1 hemizygote.
Comment: The variant is observed at an extremely low frequency in the gnomAD v2.1.1 dataset (total allele frequency: <0.001%). While this variant results in missense change, protein truncation variants are a common disease-causing mechanism. In silico tool predictions suggest damaging effect of the variant on gene or gene product (REVEL: 0.90; 3Cnet: 0.90). Same nucleotide change resulting in same amino acid change has been previously reported to be associated with PUS1-related disorder (PMID: 26556812). The variant has been reported to be in trans with a pathogenic variant as either compound heterozygous or homozygous in at least one similarly affected unrelated individual (PMID: 26556812). A different missense change at the same codon (p.Arg295Trp) has been reported to be associated with PUS1-related disorder (ClinVar ID: VCV000221982 / PMID: 25227147). Therefore, this variant is classified as Likely pathogenic according to the recommendation of ACMG/AMP guideline.

Literature cited by the submitters: PubMed 26556812 (cited by Women's Health and Genetics/Laboratory Corporation of America, LabCorp and 3billion); PubMed 27374853 (cited by Women's Health and Genetics/Laboratory Corporation of America, LabCorp); PubMed 25227147 (cited by 3billion).